The following is an entry in ClinVar:

NM_006302.3(MOGS):c.7C>T (p.Arg3Trp)

Gene: MOGS (mannosyl-oligosaccharide glucosidase; minus strand). Cytogenetic location: 2p13.1.
Variant type: single nucleotide variant.
Coding change: c.7C>T on transcript NM_006302.3 (MANE Select); coding-DNA position 7, C replaced by T.
Protein change: p.Arg3Trp; replaces arginine 3 with tryptophan.
Molecular consequence: missense variant. On other transcripts: intron variant (1).
Genome position (GRCh38, 1-based): chr2:74,465,241, G>A on the plus strand (C>T on the coding strand, the complement: MOGS is on the minus strand). VCF-style: chr2-74465241-G-A. GRCh37 (hg19) VCF-style: chr2-74692368-G-A.
Other names: c.-59+73C>T (NM_001146158.2); short protein forms R3W.
Identifiers: ClinVar variation 942256 (VCV000942256.8), dbSNP rs1246940304, ClinGen allele CA347383924.

ClinVar aggregate classification (germline): Uncertain significance (1 of 4 stars; one submission).

Conditions:
MOGS-congenital disorder of glycosylation. Also called: MOGS-CDG; GLUCOSIDASE I DEFICIENCY; CDG IIb; CDG 2B. Identifiers: Orphanet 79330, MedGen C1853736, MONDO:0011629, OMIM 606056.

Allele frequency attached by ClinVar (database versions not stated): TOPMed 0.00001.

Submission:

Labcorp Genetics (formerly Invitae), Labcorp
Classification: Uncertain significance for MOGS-congenital disorder of glycosylation. Last evaluated: 2021-10-18. Review status: criteria provided, single submitter. Criteria: Invitae Variant Classification Sherloc (09022015). Collection method: clinical testing. Allele origin: germline.
Comment: In summary, the available evidence is currently insufficient to determine the role of this variant in disease. Therefore, it has been classified as a Variant of Uncertain Significance. Algorithms developed to predict the effect of missense changes on protein structure and function are either unavailable or do not agree on the potential impact of this missense change (SIFT: "Deleterious"; PolyPhen-2: "Possibly Damaging"; Align-GVGD: "Class C0"). This variant has not been reported in the literature in individuals affected with MOGS-related conditions. The frequency data for this variant in the population databases is considered unreliable, as metrics indicate insufficient coverage at this position in the ExAC database. This sequence change replaces arginine with tryptophan at codon 3 of the MOGS protein (p.Arg3Trp). The arginine residue is moderately conserved and there is a moderate physicochemical difference between arginine and tryptophan.